The following is an entry in ClinVar:

ClinVar aggregate classification (germline): Uncertain significance. Review status: criteria provided, multiple submitters, no conflicts (2 of 4 stars). 3 submissions from 3 submitters: Uncertain significance (3). Last evaluated 2025-08-09.

Conditions:
Inborn genetic diseases. Identifiers: MedGen C0950123, MeSH D030342.
Combined immunodeficiency due to ZAP70 deficiency (IMD48). Also called: Immunodeficiency 48; ZAP70 Deficiency. Identifiers: Orphanet 911, MedGen C2931299, MONDO:0010023, OMIM 269840.

Allele frequency attached by ClinVar (database versions not stated): gnomAD exomes below 0.00001; gnomAD 0.00001; TOPMed 0.00001.
gnomAD v4.1: 6 of 1,614,004 alleles (0.00037%); highest among the groups gnomAD compares: East Asian, 0.0045%; no homozygotes.

Submissions (3):

Ambry Genetics
Classification: Uncertain significance for Inborn genetic diseases. Last evaluated: 2025-08-09. Review status: criteria provided, single submitter. Criteria: Ambry Variant Classification Scheme 2023. Collection method: clinical testing. Allele origin: germline.

Labcorp Genetics (formerly Invitae), Labcorp
Classification: Uncertain significance for Combined immunodeficiency due to ZAP70 deficiency. Last evaluated: 2022-02-03. Review status: criteria provided, single submitter. Criteria: Invitae Variant Classification Sherloc (09022015). Collection method: clinical testing. Allele origin: germline.
Comment: This sequence change replaces arginine, which is basic and polar, with cysteine, which is neutral and slightly polar, at codon 460 of the ZAP70 protein (p.Arg460Cys). This variant is present in population databases (no rsID available, gnomAD 0.003%). This variant has not been reported in the literature in individuals affected with ZAP70-related conditions. ClinVar contains an entry for this variant (Variation ID: 1045600). Algorithms developed to predict the effect of missense changes on protein structure and function are either unavailable or do not agree on the potential impact of this missense change (SIFT: "Not Available"; PolyPhen-2: "Probably Damaging"; Align-GVGD: "Not Available"). In summary, the available evidence is currently insufficient to determine the role of this variant in disease. Therefore, it has been classified as a Variant of Uncertain Significance.

AiLife Diagnostics
Classification: Uncertain significance. Last evaluated: 2020-05-08. Review status: criteria provided, single submitter. Criteria: ACMG Guidelines, 2015. Collection method: clinical testing. Allele origin: germline. Affected: yes. Observed: 1 variant allele.

NM_001079.4(ZAP70):c.1378C>T (p.Arg460Cys)

Gene: ZAP70 (zeta chain of T cell receptor associated protein kinase 70; plus strand). Cytogenetic location: 2q11.2.
Variant type: single nucleotide variant.
Coding change: c.1378C>T on transcript NM_001079.4 (MANE Select); coding-DNA position 1378, C replaced by T.
Protein change: p.Arg460Cys; replaces arginine 460 with cysteine.
Molecular consequence: missense variant.
Genome position (GRCh38, 1-based): chr2:97,737,561, C>T. VCF-style: chr2-97737561-C-T. GRCh37 (hg19) VCF-style: chr2-98354024-C-T.
Other names: c.1378C>T, p.Arg460Cys (NM_001378594.1); c.457C>T, p.Arg153Cys (NM_207519.2); c.1378C>T (NM_001079.3); short protein forms R153C, R460C.
Identifiers: ClinVar variation 1045600 (VCV001045600.8), dbSNP rs1436454526, ClinGen allele CA347803452.